The following is an entry in ClinVar:

ClinVar aggregate classification (germline): Uncertain significance. Review status: criteria provided, multiple submitters, no conflicts (2 of 4 stars). 7 submissions from 7 submitters: Uncertain significance (6). 1 of the submissions does not count toward it. Last evaluated 2024-01-11.

Conditions:
Wilson disease (WND). Also called: Wilson's disease. Identifiers: Orphanet 905, MedGen C0019202, MONDO:0010200, OMIM 277900. Disease mechanism: loss of function.

Allele frequency attached by ClinVar (database versions not stated): gnomAD exomes 0.00003 and 0.00006; TOPMed 0.00003; gnomAD 0.00005; ExAC 0.00007; ESP Exome Variant Server 0.00008.
gnomAD v4.1: 55 of 1,614,092 alleles (0.0034%); highest among the groups gnomAD compares: Admixed American, 0.01%; no homozygotes.

Submissions (7):

All of Us Research Program, National Institutes of Health
Classification: Uncertain significance for Wilson disease. Last evaluated: 2024-01-11. Review status: criteria provided, single submitter. Criteria: ACMG Guidelines, 2015. Collection method: clinical testing. Allele origin: germline. Inheritance: Autosomal recessive inheritance. Observed: 15 variant alleles, 15 heterozygotes.
Comment: This missense variant replaces histidine with tyrosine at codon 1126 of the ATP7B protein. Computational prediction suggests that this variant may not impact protein structure and function (internally defined REVEL score threshold <= 0.5, PMID: 27666373). To our knowledge, functional studies have not been reported for this variant. This variant has not been reported in individuals affected with Wilson disease in the literature. This variant has been identified in 16/280956 chromosomes in the general population by the Genome Aggregation Database (gnomAD). The available evidence is insufficient to determine the role of this variant in disease conclusively. Therefore, this variant is classified as a Variant of Uncertain Significance.

This study involves interpretation of variants in research participants for the purpose of population health screening. Participant phenotype was not available at the time of variant classification. Additional details can be found in publication PMID: 35346344, PMCID: PMC8962531

Labcorp Genetics (formerly Invitae), Labcorp
Classification: Uncertain significance for Wilson disease. Last evaluated: 2022-09-27. Review status: criteria provided, single submitter. Criteria: Invitae Variant Classification Sherloc (09022015). Collection method: clinical testing. Allele origin: germline.
Comment: This sequence change replaces histidine, which is basic and polar, with tyrosine, which is neutral and polar, at codon 1126 of the ATP7B protein (p.His1126Tyr). This variant is present in population databases (rs373698024, gnomAD 0.01%). This variant has not been reported in the literature in individuals affected with ATP7B-related conditions. ClinVar contains an entry for this variant (Variation ID: 883709). Advanced modeling of protein sequence and biophysical properties (such as structural, functional, and spatial information, amino acid conservation, physicochemical variation, residue mobility, and thermodynamic stability) performed at Invitae indicates that this missense variant is not expected to disrupt ATP7B protein function. In summary, the available evidence is currently insufficient to determine the role of this variant in disease. Therefore, it has been classified as a Variant of Uncertain Significance.

Color Diagnostics, LLC DBA Color Health
Classification: Uncertain significance for Wilson disease. Last evaluated: 2022-05-17. Review status: criteria provided, single submitter. Criteria: ACMG Guidelines, 2015. Collection method: clinical testing. Allele origin: germline.
Comment: This missense variant replaces histidine with tyrosine at codon 1126 of the ATP7B protein. Computational prediction suggests that this variant may not impact protein structure and function (internally defined REVEL score threshold <= 0.5, PMID: 27666373). To our knowledge, functional studies have not been reported for this variant. This variant has not been reported in individuals affected with Wilson disease in the literature. This variant has been identified in 16/280956 chromosomes in the general population by the Genome Aggregation Database (gnomAD). The available evidence is insufficient to determine the role of this variant in disease conclusively. Therefore, this variant is classified as a Variant of Uncertain Significance.

Fulgent Genetics
Classification: Uncertain significance for Wilson disease. Last evaluated: 2022-03-23. Review status: criteria provided, single submitter. Criteria: ACMG Guidelines, 2015. Collection method: clinical testing. Allele origin: unknown.

Genome-Nilou Lab
Classification: Uncertain significance for Wilson disease. Last evaluated: 2021-09-05. Review status: criteria provided, single submitter. Criteria: ACMG Guidelines, 2015. Collection method: clinical testing. Allele origin: germline. Affected: no.

Illumina Laboratory Services, Illumina
Classification: Uncertain significance for Wilson disease. Last evaluated: 2017-04-27. Review status: criteria provided, single submitter. Criteria: ICSL Variant Classification Criteria 13 December 2019. Collection method: clinical testing. Allele origin: germline.

Natera, Inc.
Classification: Uncertain significance for Wilson disease. Last evaluated: 2020-02-13. Review status: no assertion criteria provided. Collection method: clinical testing. Allele origin: germline. Not counted in ClinVar's aggregate classification.

NM_000053.4(ATP7B):c.3376C>T (p.His1126Tyr)

Gene: ATP7B (ATPase copper transporting beta; minus strand). Cytogenetic location: 13q14.3.
Variant type: single nucleotide variant.
Coding change: c.3376C>T on transcript NM_000053.4 (MANE Select); coding-DNA position 3376, C replaced by T.
Protein change: p.His1126Tyr; replaces histidine 1126 with tyrosine.
Molecular consequence: missense variant.
Genome position (GRCh38, 1-based): chr13:51,942,422, G>A on the plus strand (C>T on the coding strand, the complement: ATP7B is on the minus strand). VCF-style: chr13-51942422-G-A. GRCh37 (hg19) VCF-style: chr13-52516558-G-A.
Other names: c.2755C>T, p.His919Tyr (NM_001005918.3); c.3043C>T, p.His1015Tyr (NM_001243182.2); c.3142C>T, p.His1048Tyr (NM_001330578.2); c.3124C>T, p.His1042Tyr (NM_001330579.2); short protein forms H1042Y, H1126Y, H1048Y, H919Y, H1015Y.
Identifiers: ClinVar variation 883709 (VCV000883709.16), dbSNP rs373698024, ClinGen allele CA6988721.
Genomic context (GRCh38, chr13:51,942,422, plus strand): 5'-TGCAGAGACAAAAGCCAGCAATACCTTTTTCTGCGGGAAGGCTGCCAGCCTCATTCAGGT[G>A]ACTGGCCGGTGCACTCAAAGGGCGCTCACTGTGGGCCAGGATGCCTTCCACGTTGCTGAC-3'
Protein context (NP_000044.2, residues 1116-1136): SERPLSAPAS[His1126Tyr]LNEAGSLPAE